The following is an entry in ClinVar:

NM_012310.5(KIF4A):c.2182C>T (p.Arg728Trp)

Gene: KIF4A (kinesin family member 4A; plus strand). Cytogenetic location: Xq13.1.
Variant type: single nucleotide variant.
Coding change: c.2182C>T on transcript NM_012310.5 (MANE Select); coding-DNA position 2182, C replaced by T.
Protein change: p.Arg728Trp; replaces arginine 728 with tryptophan.
Molecular consequence: missense variant.
Genome position (GRCh38, 1-based): chrX:70,387,247, C>T. VCF-style: chrX-70387247-C-T. GRCh37 (hg19) VCF-style: chrX-69607097-C-T.
Other names: short protein forms R728W.
Identifiers: ClinVar variation 3252446 (VCV003252446.1), dbSNP rs1240274269.

ClinVar aggregate classification (germline): Uncertain significance (1 of 4 stars; one submission).

gnomAD v4.1: 5 of 1,188,882 alleles (0.00042%); highest among the groups gnomAD compares: Middle Eastern, 0.023%; no homozygotes.

Submission:

GeneDx
Classification: Uncertain significance. Last evaluated: 2023-07-27. Review status: criteria provided, single submitter. Criteria: GeneDx Variant Classification Process June 2021. Collection method: clinical testing. Allele origin: germline. Affected: yes.
Comment: Reported in association with intellectual disability (Hu et al., 2019); Not observed at significant frequency in large population cohorts (gnomAD); In silico analysis supports that this missense variant has a deleterious effect on protein structure/function; This variant is associated with the following publications: (PMID: 29302074)